The following is an entry in ClinVar:

NM_013275.6(ANKRD11):c.3117_3118del (p.Lys1040fs)

Gene: ANKRD11 (ankyrin repeat domain 11; minus strand). Cytogenetic location: 16q24.3.
Variant type: Microsatellite.
Coding change: c.3117_3118del on transcript NM_013275.6 (MANE Select); coding-DNA positions 3117 to 3118, 2 bases deleted (GA; older notation c.3117_3118delGA).
Protein change: p.Lys1040fs; shifts the reading frame from lysine 1040.
Molecular consequence: frameshift variant.
Genome position (GRCh38, 1-based): chr16:89,283,424-89,283,425, TC deleted on the plus strand (GA on the coding strand, the reverse complement: ANKRD11 is on the minus strand); deleting any 2 consecutive bases within chr16:89,283,424-89,283,427 gives the same sequence; the c. name uses the placement nearest the transcript's 3' end. VCF-style (leftmost placement, unchanged base first): chr16-89283423-TTC-T. GRCh37 (hg19) VCF-style: chr16-89349831-TTC-T.
Other names: c.3117_3118del, p.Lys1040fs (NM_001256182.2, NM_001256183.2); short protein forms K1040fs.
Identifiers: ClinVar variation 4997939 (VCV004997939.1).

ClinVar aggregate classification (germline): Likely pathogenic (1 of 4 stars; one submission).

Conditions:
ANKRD11-related disorder. Also called: ANKRD11-related condition.

Submission:

PreventionGenetics, part of Exact Sciences
Classification: Likely pathogenic for ANKRD11-related condition. Last evaluated: 2025-01-21. Review status: criteria provided, single submitter. Criteria: ACMG Guidelines, 2015. Collection method: clinical testing. Allele origin: germline.
Comment: The ANKRD11 c.3117_3118delGA variant is predicted to result in a frameshift and premature protein termination (p.Lys1040Ilefs*13). To our knowledge, this variant has not been reported in the literature or in a large population database (gnomAD), indicating this variant is rare. Frameshift variants in ANKRD11 are expected to be pathogenic. This variant is interpreted as likely pathogenic.